The following is an entry in ClinVar:

NM_001312673.2(PCYT1A):c.1079A>G (p.Asp360Gly)

Gene: PCYT1A (phosphate cytidylyltransferase 1A, choline; minus strand). Cytogenetic location: 3q29.
Variant type: single nucleotide variant.
Coding change: c.1079A>G on transcript NM_001312673.2 (MANE Select); coding-DNA position 1079, A replaced by G.
Protein change: p.Asp360Gly; replaces aspartic acid 360 with glycine.
Molecular consequence: missense variant.
Genome position (GRCh38, 1-based): chr3:196,238,713, T>C on the plus strand (A>G on the coding strand, the complement: PCYT1A is on the minus strand). VCF-style: chr3-196238713-T-C. GRCh37 (hg19) VCF-style: chr3-195965584-T-C.
Other names: c.1079A>G (NM_005017.2); c.1079A>G, p.Asp360Gly (NM_005017.4); short protein forms D360G.
Identifiers: ClinVar variation 1938244 (VCV001938244.6), dbSNP rs754092372, ClinGen allele CA2779327.
Genomic context (GRCh38, chr3:196,238,713, plus strand): 5'-ACAGAAAGGGAGGACAGGAAAGGAGGGAGGAAACATTAGTCTTCTTCATCCTCACTGATA[T>C]CATAGGCTGCAGCCTTGTGCCTGGAGAGATTTGCTGGGGAGCAAGGTGGGGAAGTCTTGC-3'
Protein context (NP_001299602.1, residues 350-367): NLSRHKAAAY[Asp360Gly]ISEDEED

ClinVar aggregate classification (germline): Uncertain significance. Review status: criteria provided, multiple submitters, no conflicts (2 of 4 stars). 3 submissions from 3 submitters: Uncertain significance (3). Last evaluated 2023-01-23.

Conditions:
Inborn genetic diseases. Identifiers: MedGen C0950123, MeSH D030342.

Allele frequency attached by ClinVar (database versions not stated): ExAC 0.00001; gnomAD 0.00002.
gnomAD v4.1: 16 of 1,576,840 alleles (0.001%); highest among the groups gnomAD compares: Non-Finnish European, 0.0013%; no homozygotes.

Submissions (3):

Ambry Genetics
Classification: Uncertain significance for Inborn genetic diseases. Last evaluated: 2023-01-23. Review status: criteria provided, single submitter. Criteria: Ambry Variant Classification Scheme 2023. Collection method: clinical testing. Allele origin: germline.

Blueprint Genetics
Classification: Uncertain significance. Last evaluated: 2022-01-19. Review status: criteria provided, single submitter. Criteria: ACMG Guidelines, 2015. Collection method: clinical testing. Allele origin: germline.

Labcorp Genetics (formerly Invitae), Labcorp
Classification: Uncertain significance. Last evaluated: 2021-12-21. Review status: criteria provided, single submitter. Criteria: Invitae Variant Classification Sherloc (09022015). Collection method: clinical testing. Allele origin: germline.
Comment: Algorithms developed to predict the effect of sequence changes on RNA splicing suggest that this variant may create or strengthen a splice site. Advanced modeling of protein sequence and biophysical properties (such as structural, functional, and spatial information, amino acid conservation, physicochemical variation, residue mobility, and thermodynamic stability) performed at Invitae indicates that this missense variant is not expected to disrupt PCYT1A protein function. This variant has not been reported in the literature in individuals affected with PCYT1A-related conditions. This variant is present in population databases (rs754092372, gnomAD 0.004%). This sequence change replaces aspartic acid, which is acidic and polar, with glycine, which is neutral and non-polar, at codon 360 of the PCYT1A protein (p.Asp360Gly). In summary, the available evidence is currently insufficient to determine the role of this variant in disease. Therefore, it has been classified as a Variant of Uncertain Significance.